The following is an entry in ClinVar:

ClinVar aggregate classification (germline): Uncertain significance (1 of 4 stars; one submission).

Allele frequency attached by ClinVar (database versions not stated): gnomAD exomes below 0.00001; TOPMed 0.00004.
gnomAD v4.1: 3 of 1,192,148 alleles (0.00025%); highest among the groups gnomAD compares: Admixed American, 0.0044%; no homozygotes.

Submission:

Labcorp Genetics (formerly Invitae), Labcorp
Classification: Uncertain significance. Last evaluated: 2024-01-06. Review status: criteria provided, single submitter. Criteria: Invitae Variant Classification Sherloc (09022015). Collection method: clinical testing. Allele origin: germline.
Comment: This sequence change falls in intron 8 of the DDX3X gene. It does not directly change the encoded amino acid sequence of the DDX3X protein. It affects a nucleotide within the consensus splice site. This variant is present in population databases (no rsID available, gnomAD 0.004%). This variant has not been reported in the literature in individuals affected with DDX3X-related conditions. Variants that disrupt the consensus splice site are a relatively common cause of aberrant splicing (PMID: 17576681, 9536098). Algorithms developed to predict the effect of sequence changes on RNA splicing suggest that this variant is not likely to affect RNA splicing. In summary, the available evidence is currently insufficient to determine the role of this variant in disease. Therefore, it has been classified as a Variant of Uncertain Significance.

Literature cited by the submitters: PubMed 17576681; PubMed 9536098.

NM_001356.5(DDX3X):c.765+6T>A

Gene: DDX3X (DEAD-box helicase 3 X-linked; plus strand). Cytogenetic location: Xp11.4.
Variant type: single nucleotide variant.
Coding change: c.765+6T>A on transcript NM_001356.5 (MANE Select); 6 bases into the intron after coding-DNA position 765, T replaced by A.
Molecular consequence: intron variant.
Genome position (GRCh38, 1-based): chrX:41,343,828, T>A. VCF-style: chrX-41343828-T-A. GRCh37 (hg19) VCF-style: chrX-41203081-T-A.
Other names: c.765+6T>A (NM_001193416.3); c.717+6T>A (NM_001193417.3); c.207+6T>A (NM_001363819.1).
Identifiers: ClinVar variation 2778702 (VCV002778702.3), dbSNP rs1277122647, ClinGen allele CA641474840.